The following is an entry in ClinVar:

NM_022168.4(IFIH1):c.2527_2528inv (p.His843Cys)

Gene: IFIH1 (interferon induced with helicase C domain 1; minus strand). Cytogenetic location: 2q24.2.
Variant type: Inversion.
Coding change: c.2527_2528inv on transcript NM_022168.4 (MANE Select).
Protein change: p.His843Cys; replaces histidine 843 with cysteine.
Molecular consequence: missense variant.
Genome position: GRCh38 VCF-style: chr2-162272314-TG-CA. GRCh37 (hg19) VCF-style: chr2-163128824-TG-CA.
Other names: short protein forms H843C.
Identifiers: ClinVar variation 1979331 (VCV001979331.4), ClinGen allele CA2580064179.

ClinVar aggregate classification (germline): Uncertain significance (1 of 4 stars; one submission).

Conditions:
Aicardi-Goutieres syndrome 7 (AGS7). Identifiers: Orphanet 51, MedGen C3888244, MONDO:0014367, OMIM 615846.
Singleton-Merten syndrome 1 (SGMRT1). Also called: Widened medullary cavities of bone, aortic calcification, abnormal dentition, and muscular weakness; Syndrome of widened medullary cavities of the metacarpals and phalanges, aortic calcification and abnormal dentition. Identifiers: Orphanet 85191, MedGen C4225427, MONDO:0024535, OMIM 182250.

Submission:

Labcorp Genetics (formerly Invitae), Labcorp
Classification: Uncertain significance for Aicardi-Goutieres syndrome 7; Singleton-Merten syndrome 1. Last evaluated: 2025-12-19. Review status: criteria provided, single submitter. Criteria: Invitae Variant Classification Sherloc (09022015). Collection method: clinical testing. Allele origin: germline.
Comment: This sequence change replaces histidine, which is basic and polar, with cysteine, which is neutral and slightly polar, at codon 843 of the IFIH1 protein (p.His843Cys). The frequency data for this variant in the population databases is considered unreliable, as metrics indicate poor data quality at this position in the gnomAD database. This variant has not been reported in the literature in individuals affected with IFIH1-related conditions. ClinVar contains an entry for this variant (Variation ID: 1979331). An algorithm developed to predict the effect of missense changes on protein structure and function (PolyPhen-2) suggests that this variant is likely to be tolerated. In summary, the available evidence is currently insufficient to determine the role of this variant in disease. Therefore, it has been classified as a Variant of Uncertain Significance.